The following is an entry in ClinVar:

NM_198253.3(TERT):c.3073del (p.Val1025fs)

Gene: TERT (telomerase reverse transcriptase; minus strand). Cytogenetic location: 5p15.33.
Variant type: Deletion.
Coding change: c.3073del on transcript NM_198253.3 (MANE Select); coding-DNA position 3073, one base deleted (G; older notation c.3073delG).
Protein change: p.Val1025fs; shifts the reading frame from valine 1025.
Molecular consequence: frameshift variant. On other transcripts: non-coding transcript variant (2).
Genome position (GRCh38, 1-based): chr5:1,255,371, C deleted on the plus strand (G on the coding strand, the reverse complement: TERT is on the minus strand). VCF-style (leftmost placement, unchanged base first): chr5-1255370-AC-A. GRCh37 (hg19) VCF-style: chr5-1255485-AC-A.
Other names: c.2884del, p.Val962fs (NM_001193376.3); c.3073delG, p.Val1025Phefs (NM_003219.1); short protein forms V1025fs, V962fs.
Identifiers: ClinVar variation 2064698 (VCV002064698.4), dbSNP rs2478083791, ClinGen allele CA2580071942.

ClinVar aggregate classification (germline): Pathogenic (1 of 4 stars; one submission).

Conditions:
Dyskeratosis congenita, autosomal dominant 2. Identifiers: MedGen C3151443, MONDO:0013521, OMIM 613989.
Idiopathic Pulmonary Fibrosis. Also called: Idiopathic fibrosing alveolitis, chronic form; idiopathic fibrosing alveolitis. Identifiers: Orphanet 2032, MedGen C1800706, MeSH D054990, MONDO:0800504.

Submission:

Labcorp Genetics (formerly Invitae), Labcorp
Classification: Pathogenic for Dyskeratosis congenita, autosomal dominant 2; Idiopathic Pulmonary Fibrosis. Last evaluated: 2022-09-15. Review status: criteria provided, single submitter. Criteria: Invitae Variant Classification Sherloc (09022015). Collection method: clinical testing. Allele origin: germline.
Comment: This sequence change creates a premature translational stop signal (p.Val1025Phefs*23) in the TERT gene. It is expected to result in an absent or disrupted protein product. Loss-of-function variants in TERT are known to be pathogenic (PMID: 16247010, 17460043). This variant is not present in population databases (gnomAD no frequency). This variant has not been reported in the literature in individuals affected with TERT-related conditions. For these reasons, this variant has been classified as Pathogenic.

Literature cited by the submitters: PubMed 16247010; PubMed 17460043.